The following is an entry in ClinVar:

NM_005359.6(SMAD4):c.476A>G (p.Lys159Arg)

Gene: SMAD4 (SMAD family member 4; plus strand). Cytogenetic location: 18q21.2.
Variant type: single nucleotide variant.
Coding change: c.476A>G on transcript NM_005359.6 (MANE Select); coding-DNA position 476, A replaced by G.
Protein change: p.Lys159Arg; replaces lysine 159 with arginine.
Molecular consequence: missense variant.
Genome position (GRCh38, 1-based): chr18:51,054,802, A>G. VCF-style: chr18-51054802-A-G. GRCh37 (hg19) VCF-style: chr18-48581172-A-G.
Other names: short protein forms K159R.
Identifiers: ClinVar variation 837644 (VCV000837644.13), dbSNP rs1909795433, ClinGen allele CA402460623.

ClinVar aggregate classification (germline): Uncertain significance. Review status: criteria provided, multiple submitters, no conflicts (2 of 4 stars). 2 submissions from 2 submitters: Uncertain significance (2). Last evaluated 2022-10-07.

Conditions:
Juvenile polyposis syndrome (JPS). Identifiers: Orphanet 2929, MedGen C0345893, MONDO:0017380, OMIM 174900.
Familial thoracic aortic aneurysm and aortic dissection (TAAD). Also called: Thoracic aortic aneurysms and dissections. Identifiers: Orphanet 91387, MedGen C4707243, MONDO:0019625.
Hereditary cancer-predisposing syndrome. Also called: Neoplastic Syndromes, Hereditary; Hereditary neoplastic syndrome; Tumor predisposition; Hereditary Cancer Syndrome. Identifiers: Orphanet 140162, MedGen C0027672, MeSH D009386, MONDO:0015356.

Submissions (2):

Labcorp Genetics (formerly Invitae), Labcorp
Classification: Uncertain significance for Juvenile polyposis syndrome. Last evaluated: 2022-10-07. Review status: criteria provided, single submitter. Criteria: Invitae Variant Classification Sherloc (09022015). Collection method: clinical testing. Allele origin: germline.
Comment: This sequence change replaces lysine, which is basic and polar, with arginine, which is basic and polar, at codon 159 of the SMAD4 protein (p.Lys159Arg). This variant is not present in population databases (gnomAD no frequency). This variant has not been reported in the literature in individuals affected with SMAD4-related conditions. ClinVar contains an entry for this variant (Variation ID: 837644). Advanced modeling of protein sequence and biophysical properties (such as structural, functional, and spatial information, amino acid conservation, physicochemical variation, residue mobility, and thermodynamic stability) has been performed at Invitae for this missense variant, however the output from this modeling did not meet the statistical confidence thresholds required to predict the impact of this variant on SMAD4 protein function. Experimental studies have shown that this missense change affects SMAD4 function (PMID: 15637079, 29955155). Algorithms developed to predict the effect of sequence changes on RNA splicing suggest that this variant may create or strengthen a splice site. In summary, the available evidence is currently insufficient to determine the role of this variant in disease. Therefore, it has been classified as a Variant of Uncertain Significance.

Ambry Genetics
Classification: Uncertain significance for Hereditary cancer-predisposing syndrome; Familial thoracic aortic aneurysm and aortic dissection. Last evaluated: 2019-12-18. Review status: criteria provided, single submitter. Criteria: Ambry Variant Classification Scheme 2023. Collection method: clinical testing. Allele origin: germline.
Comment: The p.K159R variant (also known as c.476A>G), located in coding exon 4 of the SMAD4 gene, results from an A to G substitution at nucleotide position 476. The lysine at codon 159 is replaced by arginine, an amino acid with highly similar properties. Several studies report reduced sumoylation with increased stability as well as increased transcriptional activity for this variant; however, it is unclear whether there is an association with disease (Lee PS et al. J. Biol. Chem., 2003 Jul;278:27853-63; Long J et al. Biochem. J., 2004 Apr;379:23-9; Chang CC et al. J. Biol. Chem., 2005 Mar;280:10164-73; Chang CC et al. Sci Rep, 2018 06;8:9786). This amino acid position is highly conserved in available vertebrate species. In addition, the in silico prediction for this alteration is inconclusive. Since supporting evidence is limited at this time, the clinical significance of this alteration remains unclear.

Literature cited by the submitters: PubMed 15637079 (cited by Labcorp Genetics (formerly Invitae), Labcorp); PubMed 29955155 (cited by Labcorp Genetics (formerly Invitae), Labcorp).